The following is an entry in ClinVar:

NM_000414.4(HSD17B4):c.1235_1236del (p.Glu412fs)

Gene: HSD17B4 (hydroxysteroid 17-beta dehydrogenase 4; plus strand). Cytogenetic location: 5q23.1.
Variant type: Microsatellite.
Coding change: c.1235_1236del on transcript NM_000414.4 (MANE Select); coding-DNA positions 1235 to 1236, 2 bases deleted (AG; older notation c.1235_1236delAG).
Protein change: p.Glu412fs; shifts the reading frame from glutamic acid 412.
Molecular consequence: frameshift variant. On other transcripts: non-coding transcript variant (2).
Genome position (GRCh38, 1-based): chr5:119,502,066-119,502,067, AG deleted; deleting any 2 consecutive bases within chr5:119,502,064-119,502,067 gives the same sequence; the c. name uses the placement nearest the transcript's 3' end. VCF-style (leftmost placement, unchanged base first): chr5-119502063-TAG-T. GRCh37 (hg19) VCF-style: chr5-118837758-TAG-T.
Other names: c.1310_1311del, p.Glu437fs (NM_001199291.3); c.1181_1182del, p.Glu394fs (NM_001199292.2); c.1163_1164del, p.Glu388fs (NM_001292027.2); c.815_816del, p.Glu272fs (NM_001292028.2); c.1226_1227del, p.Glu409fs (NM_001374497.1); c.1235_1236del, p.Glu412fs (NM_001374498.1); c.908_909del, p.Glu303fs (NM_001374499.1); c.794_795del, p.Glu265fs (NM_001374500.1); and 1 more; short protein forms E409fs, E412fs, E265fs, E272fs, E394fs, E275fs, E303fs, E388fs.
Identifiers: ClinVar variation 1353412 (VCV001353412.6), dbSNP rs2126790168, ClinGen allele CA2580612763.

ClinVar aggregate classification (germline): Pathogenic (1 of 4 stars; one submission).

Conditions:
Perrault syndrome. Also called: Gonadal dysgenesis with auditory dysfunction, autosomal recessive inheritance. Identifiers: Orphanet 2855, MedGen C0685838, MONDO:0017312.
Bifunctional peroxisomal enzyme deficiency (DBIF). Also called: D-bifunctional protein deficiency; DBP DEFICIENCY; PBFE DEFICIENCY. Identifiers: Orphanet 300, MedGen C0342870, MONDO:0009855, OMIM 261515. Disease mechanism: loss of function.

Submission:

Labcorp Genetics (formerly Invitae), Labcorp
Classification: Pathogenic for Perrault syndrome; Bifunctional peroxisomal enzyme deficiency. Last evaluated: 2021-01-21. Review status: criteria provided, single submitter. Criteria: Invitae Variant Classification Sherloc (09022015). Collection method: clinical testing. Allele origin: germline.
Comment: For these reasons, this variant has been classified as Pathogenic. This variant has not been reported in the literature in individuals with HSD17B4-related conditions. This variant is not present in population databases (ExAC no frequency). This sequence change creates a premature translational stop signal (p.Glu412Valfs*3) in the HSD17B4 gene. It is expected to result in an absent or disrupted protein product. Loss-of-function variants in HSD17B4 are known to be pathogenic (PMID: 11810648, 16385454).

Literature cited by the submitters: PubMed 11810648; PubMed 16385454.